The following is an entry in ClinVar:

ClinVar aggregate classification (germline): Uncertain significance (1 of 4 stars; one submission).

Conditions:
Hereditary breast ovarian cancer syndrome. Also called: Hereditary breast and ovarian cancer syndrome; Hereditary breast and/or ovarian cancer syndrome; BRCA1- and BRCA2-Associated Hereditary Breast and Ovarian Cancer; Hereditary breast and ovarian cancer syndrome (HBOC); Hereditary breast and ovarian cancer; Breast and ovarian cancer. Identifiers: Orphanet 145, MedGen C0677776, MeSH D061325, MONDO:0003582. Disease mechanism: loss of function.

Allele frequency attached by ClinVar (database versions not stated): gnomAD exomes below 0.00001.
gnomAD v4.1: 1 of 1,614,040 alleles (0.000062%); highest among the groups gnomAD compares: East Asian, 0.0022%; no homozygotes.

Submission:

Labcorp Genetics (formerly Invitae), Labcorp
Classification: Uncertain significance for Hereditary breast ovarian cancer syndrome. Last evaluated: 2023-05-12. Review status: criteria provided, single submitter. Criteria: Invitae Variant Classification Sherloc (09022015). Collection method: clinical testing. Allele origin: germline.
Comment: In summary, the available evidence is currently insufficient to determine the role of this variant in disease. Therefore, it has been classified as a Variant of Uncertain Significance. Advanced modeling of protein sequence and biophysical properties (such as structural, functional, and spatial information, amino acid conservation, physicochemical variation, residue mobility, and thermodynamic stability) has been performed at Invitae for this missense variant, however the output from this modeling did not meet the statistical confidence thresholds required to predict the impact of this variant on BRCA1 protein function. This variant has not been reported in the literature in individuals affected with BRCA1-related conditions. This variant is not present in population databases (gnomAD no frequency). This sequence change replaces arginine, which is basic and polar, with glycine, which is neutral and non-polar, at codon 506 of the BRCA1 protein (p.Arg506Gly).

NM_007294.4(BRCA1):c.1516A>G (p.Arg506Gly)

Gene: BRCA1 (BRCA1 DNA repair associated; minus strand). Cytogenetic location: 17q21.31.
Variant type: single nucleotide variant.
Coding change: c.1516A>G on transcript NM_007294.4 (MANE Select); coding-DNA position 1516, A replaced by G.
Protein change: p.Arg506Gly; replaces arginine 506 with glycine.
Molecular consequence: missense variant. On other transcripts: intron variant (137).
Genome position (GRCh38, 1-based): chr17:43,094,015, T>C on the plus strand (A>G on the coding strand, the complement: BRCA1 is on the minus strand). VCF-style: chr17-43094015-T-C. GRCh37 (hg19) VCF-style: chr17-41246032-T-C.
Other names: c.1303A>G, p.Arg435Gly (NM_001407571.1, NM_001407853.1, NM_001407894.1 and 9 more transcripts); c.1516A>G, p.Arg506Gly (NM_001407581.1, NM_001407582.1, NM_001407583.1 and 30 more transcripts); c.1513A>G, p.Arg505Gly (NM_001407587.1, NM_001407590.1, NM_001407591.1 and 22 more transcripts); c.1507A>G, p.Arg503Gly (NM_001407646.1, NM_001407647.1); c.1393A>G, p.Arg465Gly (NM_001407648.1, NM_001407664.1, NM_001407665.1 and 19 more transcripts); c.1390A>G, p.Arg464Gly (NM_001407649.1, NM_001407670.1, NM_001407671.1 and 11 more transcripts); c.1438A>G, p.Arg480Gly (NM_001407653.1, NM_001407654.1, NM_001407655.1 and 4 more transcripts); c.1435A>G, p.Arg479Gly (NM_001407659.1, NM_001407660.1, NM_001407661.1 and 1 more transcripts); and 40 more; short protein forms R379G, R394G, R418G, R435G, R459G, R465G, R210G, R338G.
Identifiers: ClinVar variation 2863355 (VCV002863355.3), dbSNP rs2154441272, ClinGen allele CA10599015.